The following is an entry in ClinVar:

ClinVar aggregate classification (germline): Benign/Likely benign. Review status: criteria provided, multiple submitters, no conflicts (2 of 4 stars). 2 submissions from 2 submitters: Benign (1); Likely benign (1). Last evaluated 2023-09-19.

Conditions:
Methylmalonic acidemia with homocystinuria, type cblX (MAHCX). Also called: INTELLECTUAL DEVELOPMENTAL DISORDER, X-LINKED 3. Identifiers: Orphanet 369962, MedGen C0796208, MONDO:0010657, OMIM 309541.

Allele frequency attached by ClinVar (database versions not stated): gnomAD exomes below 0.00001 and 0.00002; TOPMed below 0.00001; ExAC 0.00005.
gnomAD v4.1: 4 of 1,210,468 alleles (0.00033%); highest among the groups gnomAD compares: East Asian, 0.0059%; no homozygotes.

Submissions (2):

Labcorp Genetics (formerly Invitae), Labcorp
Classification: Benign for Methylmalonic acidemia with homocystinuria, type cblX. Last evaluated: 2023-09-19. Review status: criteria provided, single submitter. Criteria: Invitae Variant Classification Sherloc (09022015). Collection method: clinical testing. Allele origin: germline.

GeneDx
Classification: Likely benign. Last evaluated: 2017-09-05. Review status: criteria provided, single submitter. Criteria: GeneDx Variant Classification (06012015). Collection method: clinical testing. Allele origin: germline. Affected: yes.
Comment: This variant is considered likely benign or benign based on one or more of the following criteria: it is a conservative change, it occurs at a poorly conserved position in the protein, it is predicted to be benign by multiple in silico algorithms, and/or has population frequency not consistent with disease.

NM_005334.3(HCFC1):c.4275C>T (p.His1425=)

Gene: HCFC1 (host cell factor C1; minus strand). Cytogenetic location: Xq28.
Variant type: single nucleotide variant.
Coding change: c.4275C>T on transcript NM_005334.3 (MANE Select); coding-DNA position 4275, C replaced by T.
Protein change: p.His1425=; no amino-acid change (histidine 1425 retained).
Molecular consequence: synonymous variant.
Genome position (GRCh38, 1-based): chrX:153,954,124, G>A on the plus strand (C>T on the coding strand, the complement: HCFC1 is on the minus strand). VCF-style: chrX-153954124-G-A. GRCh37 (hg19) VCF-style: chrX-153219575-G-A.
Identifiers: ClinVar variation 511930 (VCV000511930.4), dbSNP rs782707963, ClinGen allele CA10557040.
Genomic context (GRCh38, chrX:153,954,124, plus strand): 5'-ACCTTGGTTTGAACTCATGTTGGAAGTGACAGTGGTGGCCGTGTGAGTGGTGCCCGTCTC[G>A]TGGGTCTCACAGGGGGGGTTGGAGCACACCCTCTGTGTTGGGAAAGGAGCCAGCAGCGCG-3'
Protein context (NP_005325.2, residues 1415-1435): RVCSNPPCET[His1425=]ETGTTHTATT